The following is an entry in ClinVar:

NM_182641.4(BPTF):c.8030C>T (p.Pro2677Leu)

Gene: BPTF (bromodomain PHD finger transcription factor; plus strand). Cytogenetic location: 17q24.2.
Variant type: single nucleotide variant.
Coding change: c.8030C>T on transcript NM_182641.4 (MANE Select); coding-DNA position 8030, C replaced by T.
Protein change: p.Pro2677Leu; replaces proline 2677 with leucine.
Molecular consequence: missense variant.
Genome position (GRCh38, 1-based): chr17:67,959,644, C>T. VCF-style: chr17-67959644-C-T. GRCh37 (hg19) VCF-style: chr17-65955760-C-T.
Other names: c.7979C>T, p.Pro2660Leu (NM_004459.7); short protein forms P2677L, P2660L.
Identifiers: ClinVar variation 1977634 (VCV001977634.5), dbSNP rs782040079, ClinGen allele CA8726492.

ClinVar aggregate classification (germline): Uncertain significance (1 of 4 stars; one submission).

Allele frequency attached by ClinVar (database versions not stated): gnomAD exomes below 0.00001; TOPMed below 0.00001; ExAC 0.00001; gnomAD 0.00001.
gnomAD v4.1: 4 of 1,603,456 alleles (0.00025%); highest among the groups gnomAD compares: Admixed American, 0.0069%; no homozygotes.

Submission:

Labcorp Genetics (formerly Invitae), Labcorp
Classification: Uncertain significance. Last evaluated: 2024-04-04. Review status: criteria provided, single submitter. Criteria: Invitae Variant Classification Sherloc (09022015). Collection method: clinical testing. Allele origin: germline.
Comment: This sequence change replaces proline, which is neutral and non-polar, with leucine, which is neutral and non-polar, at codon 2660 of the BPTF protein (p.Pro2660Leu). This variant is present in population databases (rs782040079, gnomAD 0.006%). This variant has not been reported in the literature in individuals affected with BPTF-related conditions. ClinVar contains an entry for this variant (Variation ID: 1977634). An algorithm developed to predict the effect of missense changes on protein structure and function (PolyPhen-2) suggests that this variant is likely to be tolerated. In summary, the available evidence is currently insufficient to determine the role of this variant in disease. Therefore, it has been classified as a Variant of Uncertain Significance.